The following is an entry in ClinVar:

NM_005751.5(AKAP9):c.8117C>G (p.Ala2706Gly)

Gene: AKAP9 (A-kinase anchoring protein 9; plus strand). Cytogenetic location: 7q21.2.
Variant type: single nucleotide variant.
Coding change: c.8117C>G on transcript NM_005751.5 (MANE Select); coding-DNA position 8117, C replaced by G.
Protein change: p.Ala2706Gly; replaces alanine 2706 with glycine.
Molecular consequence: missense variant.
Genome position (GRCh38, 1-based): chr7:92,082,619, C>G. VCF-style: chr7-92082619-C-G. GRCh37 (hg19) VCF-style: chr7-91711933-C-G.
Other names: c.2762C>G, p.Ala921Gly (NM_001379277.1); c.8093C>G, p.Ala2698Gly (NM_147185.3); short protein forms A2706G, A2698G, A921G.
Identifiers: ClinVar variation 2864476 (VCV002864476.3), dbSNP rs2535255378, ClinGen allele CA368137385.

ClinVar aggregate classification (germline): Uncertain significance (1 of 4 stars; one submission).

Conditions:
Long QT syndrome (LQTS). Identifiers: MedGen C0023976, MeSH D008133, MONDO:0002442. Disease mechanism: loss of function. Inheritance: Various modes of inheritance.

Submission:

Labcorp Genetics (formerly Invitae), Labcorp
Classification: Uncertain significance for Long QT syndrome. Last evaluated: 2023-05-15. Review status: criteria provided, single submitter. Criteria: Invitae Variant Classification Sherloc (09022015). Collection method: clinical testing. Allele origin: germline.
Comment: In summary, the available evidence is currently insufficient to determine the role of this variant in disease. Therefore, it has been classified as a Variant of Uncertain Significance. An algorithm developed to predict the effect of missense changes on protein structure and function (PolyPhen-2) suggests that this variant is likely to be tolerated. This variant has not been reported in the literature in individuals affected with AKAP9-related conditions. This variant is not present in population databases (gnomAD no frequency). This sequence change replaces alanine, which is neutral and non-polar, with glycine, which is neutral and non-polar, at codon 2706 of the AKAP9 protein (p.Ala2706Gly).